The following is an entry in ClinVar:

ClinVar aggregate classification (germline): Uncertain significance (1 of 4 stars; one submission).

Submission:

GeneDx
Classification: Uncertain significance. Last evaluated: 2025-12-23. Review status: criteria provided, single submitter. Criteria: GeneDx Variant Classification Process June 2021. Collection method: clinical testing. Allele origin: germline. Affected: yes.
Comment: Not observed at significant frequency in large population cohorts (gnomAD); Has not been previously published as pathogenic or benign to our knowledge; Located in a regulatory region; in the absence of functional studies, the actual effect of this sequence change is unknown

NM_001367721.1(CASK):c.-3A>G

Gene: CASK (calcium/calmodulin dependent serine protein kinase; minus strand). Cytogenetic location: Xp11.4.
Variant type: single nucleotide variant.
Coding change: c.-3A>G on transcript NM_001367721.1 (MANE Select); 3 bases upstream of the start codon, A replaced by G.
Molecular consequence: 5 prime UTR variant.
Genome position (GRCh38, 1-based): chrX:41,922,991, T>C on the plus strand (A>G on the coding strand, the complement: CASK is on the minus strand). VCF-style: chrX-41922991-T-C. GRCh37 (hg19) VCF-style: chrX-41782244-T-C.
Other names: c.-3A>G (NM_001126054.3, NM_001126055.3, NM_001410745.1 and 1 more transcripts).
Identifiers: ClinVar variation 4538604 (VCV004538604.1).
Genomic context (GRCh38, chrX:41,922,991, plus strand): 5'-TTCCGATCACCTCGCACAGCTCGTACACATCCTCGAACAGCACGTCGTCGTCGGCCATGG[T>C]CCGGAGGGGATAGCGGCCGCAGCGTGGAGGGCTTCGAAAACGGGGGTGGGGGCGCCCAAG-3'